The following is an entry in ClinVar:

NM_001378687.1(ATP2C1):c.2598G>A (p.Lys866=)

Gene: ATP2C1 (ATPase secretory pathway Ca2+ transporting 1; plus strand). Cytogenetic location: 3q22.1.
Variant type: single nucleotide variant.
Coding change: c.2598G>A on transcript NM_001378687.1 (MANE Select); coding-DNA position 2598, G replaced by A.
Protein change: p.Lys866=; no amino-acid change (lysine 866 retained).
Molecular consequence: synonymous variant.
Genome position (GRCh38, 1-based): chr3:130,999,628, G>A. VCF-style: chr3-130999628-G-A. GRCh37 (hg19) VCF-style: chr3-130718472-G-A.
Other names: c.2598G>A, p.Lys866= (NM_001001485.3, NM_001001486.2, NM_001001487.2 and 5 more transcripts); c.2700G>A, p.Lys900= (NM_001199180.2, NM_001199181.3, NM_001378511.1); c.2583G>A, p.Lys861= (NM_001199182.2); c.2550G>A, p.Lys850= (NM_001199183.2, NM_001199184.3, NM_001378514.1).
Identifiers: ClinVar variation 343332 (VCV000343332.16), dbSNP rs16835513, ClinGen allele CA2615409.

ClinVar aggregate classification (germline): Benign. Review status: criteria provided, multiple submitters, no conflicts (2 of 4 stars). 5 submissions from 5 submitters: Benign (4). 1 of the submissions does not count toward it. Last evaluated 2026-02-03.

Conditions:
Familial benign pemphigus (HHD). Identifiers: Orphanet 2841, MedGen C0085106, MONDO:0008218, OMIM 169600.
ATP2C1-related disorder. Also called: ATP2C1-related condition.

Allele frequency attached by ClinVar (database versions not stated): 1000 Genomes Project 30x 0.11134; 1000 Genomes Project 0.11462; ESP Exome Variant Server 0.11464; TOPMed 0.11911; gnomAD 0.12740 and 0.12856; ExAC 0.15576; gnomAD exomes 0.15674 and 0.15795.

Submissions (24):

Labcorp Genetics (formerly Invitae), Labcorp
Classification: Benign. Last evaluated: 2026-02-03. Review status: criteria provided, single submitter. Criteria: Invitae Variant Classification Sherloc (09022015). Collection method: clinical testing. Allele origin: germline.

Illumina Laboratory Services, Illumina
Classification: Benign for Familial benign pemphigus. Last evaluated: 2018-01-12. Review status: criteria provided, single submitter. Criteria: ICSL Variant Classification Criteria 13 December 2019. Collection method: clinical testing. Allele origin: germline.
Comment: This variant was observed in the ICSL laboratory as part of a predisposition screen in an ostensibly healthy population. It had not been previously curated by ICSL or reported in the Human Gene Mutation Database (HGMD: prior to June 1st, 2018), and was therefore a candidate for classification through an automated scoring system. Utilizing variant allele frequency, disease prevalence and penetrance estimates, and inheritance mode, an automated score was calculated to assess if this variant is too frequent to cause the disease. Based on the score and internal cut-off values, a variant classified as benign is not then subjected to further curation. The score for this variant resulted in a classification of benign for this disease.

GeneDx
Classification: Benign. Last evaluated: 2016-07-28. Review status: criteria provided, single submitter. Criteria: GeneDx Variant Classification (06012015). Collection method: clinical testing. Allele origin: germline. Affected: yes.
Comment: This variant is considered likely benign or benign based on one or more of the following criteria: it is a conservative change, it occurs at a poorly conserved position in the protein, it is predicted to be benign by multiple in silico algorithms, and/or has population frequency not consistent with disease.

Breakthrough Genomics
Classification: Benign. Review status: criteria provided, single submitter. Criteria: ACMG Guidelines, 2015. Collection method: not provided. Allele origin: germline. Inheritance: Autosomal dominant inheritance. Affected: yes.

PreventionGenetics, part of Exact Sciences
Classification: Benign for ATP2C1-related condition. Last evaluated: 2019-05-29. Review status: no assertion criteria provided. Collection method: clinical testing. Allele origin: germline. Not counted in ClinVar's aggregate classification.
Comment: This variant is classified as benign based on ACMG/AMP sequence variant interpretation guidelines (Richards et al. 2015 PMID: 25741868, with internal and published modifications).

Dr. Peter K. Rogan Lab, Western University
No classification provided (evidence only). Condition: Malignant lymphoma, large B-cell, diffuse. Review status: no classification provided. Collection method: in vitro. Allele origin: not applicable. Functional consequence: skipped exon. Not counted in ClinVar's aggregate classification.

Dr. Peter K. Rogan Lab, Western University
No classification provided (evidence only). Condition: Malignant lymphoma, large B-cell, diffuse. Review status: no classification provided. Collection method: in vitro. Allele origin: not applicable. Functional consequence: skipped exon. Not counted in ClinVar's aggregate classification.

Dr. Peter K. Rogan Lab, Western University
No classification provided (evidence only). Condition: Malignant lymphoma, large B-cell, diffuse. Review status: no classification provided. Collection method: in vitro. Allele origin: not applicable. Functional consequence: retained intron. Not counted in ClinVar's aggregate classification.

Dr. Peter K. Rogan Lab, Western University
No classification provided (evidence only). Condition: Malignant lymphoma, large B-cell, diffuse. Review status: no classification provided. Collection method: in vitro. Allele origin: not applicable. Functional consequence: skipped exon. Not counted in ClinVar's aggregate classification.

Dr. Peter K. Rogan Lab, Western University
No classification provided (evidence only). Condition: Cholangiocarcinoma. Review status: no classification provided. Collection method: in vitro. Allele origin: not applicable. Functional consequence: skipped exon, retained intron. Not counted in ClinVar's aggregate classification.

Dr. Peter K. Rogan Lab, Western University
No classification provided (evidence only). Condition: Cholangiocarcinoma. Review status: no classification provided. Collection method: in vitro. Allele origin: not applicable. Functional consequence: retained intron. Not counted in ClinVar's aggregate classification.

Dr. Peter K. Rogan Lab, Western University
No classification provided (evidence only). Condition: Adrenocortical carcinoma, hereditary. Review status: no classification provided. Collection method: in vitro. Allele origin: not applicable. Functional consequence: skipped exon. Not counted in ClinVar's aggregate classification.

Dr. Peter K. Rogan Lab, Western University
No classification provided (evidence only). Condition: Adrenocortical carcinoma, hereditary. Review status: no classification provided. Collection method: in vitro. Allele origin: not applicable. Functional consequence: skipped exon. Not counted in ClinVar's aggregate classification.

Dr. Peter K. Rogan Lab, Western University
No classification provided (evidence only). Condition: Adrenocortical carcinoma, hereditary. Review status: no classification provided. Collection method: in vitro. Allele origin: not applicable. Functional consequence: skipped exon. Not counted in ClinVar's aggregate classification.

Dr. Peter K. Rogan Lab, Western University
No classification provided (evidence only). Condition: Adrenocortical carcinoma, hereditary. Review status: no classification provided. Collection method: in vitro. Allele origin: not applicable. Functional consequence: skipped exon. Not counted in ClinVar's aggregate classification.

Dr. Peter K. Rogan Lab, Western University
No classification provided (evidence only). Condition: Adrenocortical carcinoma, hereditary. Review status: no classification provided. Collection method: in vitro. Allele origin: not applicable. Functional consequence: skipped exon. Not counted in ClinVar's aggregate classification.

Dr. Peter K. Rogan Lab, Western University
No classification provided (evidence only). Condition: Uterine carcinosarcoma. Review status: no classification provided. Collection method: in vitro. Allele origin: not applicable. Functional consequence: skipped exon. Not counted in ClinVar's aggregate classification.

Dr. Peter K. Rogan Lab, Western University
No classification provided (evidence only). Condition: Uterine carcinosarcoma. Review status: no classification provided. Collection method: in vitro. Allele origin: not applicable. Functional consequence: retained intron. Not counted in ClinVar's aggregate classification.

Dr. Peter K. Rogan Lab, Western University
No classification provided (evidence only). Condition: Uterine carcinosarcoma. Review status: no classification provided. Collection method: in vitro. Allele origin: not applicable. Functional consequence: skipped exon. Not counted in ClinVar's aggregate classification.

Dr. Peter K. Rogan Lab, Western University
No classification provided (evidence only). Condition: Uterine carcinosarcoma. Review status: no classification provided. Collection method: in vitro. Allele origin: not applicable. Functional consequence: skipped exon. Not counted in ClinVar's aggregate classification.

Dr. Peter K. Rogan Lab, Western University
No classification provided (evidence only). Condition: Uterine carcinosarcoma. Review status: no classification provided. Collection method: in vitro. Allele origin: not applicable. Functional consequence: retained intron. Not counted in ClinVar's aggregate classification.

Dr. Peter K. Rogan Lab, Western University
No classification provided (evidence only). Condition: Uveal melanoma. Review status: no classification provided. Collection method: in vitro. Allele origin: not applicable. Functional consequence: skipped exon. Not counted in ClinVar's aggregate classification.

Dr. Peter K. Rogan Lab, Western University
No classification provided (evidence only). Condition: Uveal melanoma. Review status: no classification provided. Collection method: in vitro. Allele origin: not applicable. Functional consequence: skipped exon. Not counted in ClinVar's aggregate classification.

Dr. Peter K. Rogan Lab, Western University
No classification provided (evidence only). Condition: Uveal melanoma. Review status: no classification provided. Collection method: in vitro. Allele origin: not applicable. Functional consequence: skipped exon. Not counted in ClinVar's aggregate classification.